The following is an entry in ClinVar:

ClinVar aggregate classification (germline): Uncertain significance (1 of 4 stars; one submission).

Conditions:
Juvenile polyposis syndrome (JPS). Identifiers: Orphanet 2929, MedGen C0345893, MONDO:0017380, OMIM 174900.

Submission:

Labcorp Genetics (formerly Invitae), Labcorp
Classification: Uncertain significance for Juvenile polyposis syndrome. Last evaluated: 2024-08-15. Review status: criteria provided, single submitter. Criteria: Invitae Variant Classification Sherloc (09022015). Collection method: clinical testing. Allele origin: germline.
Comment: This variant, c.799_801del, results in the deletion of 1 amino acid(s) of the SMAD4 protein (p.Thr267del), but otherwise preserves the integrity of the reading frame. This variant is not present in population databases (gnomAD no frequency). This variant has not been reported in the literature in individuals affected with SMAD4-related conditions. Experimental studies and prediction algorithms are not available or were not evaluated, and the functional significance of this variant is currently unknown. In summary, the available evidence is currently insufficient to determine the role of this variant in disease. Therefore, it has been classified as a Variant of Uncertain Significance.

NM_005359.6(SMAD4):c.796ACC[1] (p.Thr267del)

Gene: SMAD4 (SMAD family member 4; plus strand). Cytogenetic location: 18q21.2.
Variant type: Microsatellite.
Coding change: c.796ACC[1] on transcript NM_005359.6 (MANE Select); one copy of the 3-base unit ACC starting at c.796; the reference has two copies in a row; one copy, 3 bases deleted.
Protein change: p.Thr267del; deletes threonine 267.
Molecular consequence: non-coding transcript variant (on NR_176264.1).
Genome position (GRCh38, 1-based): chr18:51,058,351-51,058,353, ACC deleted; deleting any 3 consecutive bases within chr18:51,058,348-51,058,353 gives the same sequence; the position shown is the placement nearest the transcript's 3' end. VCF-style (leftmost placement, unchanged base first): chr18-51058347-TACC-T. GRCh37 (hg19) VCF-style: chr18-48584717-TACC-T.
Other names: c.796ACC[1], p.Thr267del (NM_001407041.1, NM_001407042.1, NM_001407043.1); short protein forms T267del.
Identifiers: ClinVar variation 3662603 (VCV003662603.2).